The following is an entry in ClinVar:

ClinVar aggregate classification (germline): Uncertain significance (1 of 4 stars; one submission).

Allele frequency attached by ClinVar (database versions not stated): gnomAD exomes 0.00003; TOPMed 0.00002; gnomAD 0.00003.
gnomAD v4.1: 39 of 1,598,086 alleles (0.0024%); highest among the groups gnomAD compares: Middle Eastern, 0.016%; no homozygotes.

Submission:

Labcorp Genetics (formerly Invitae), Labcorp
Classification: Uncertain significance. Last evaluated: 2022-03-16. Review status: criteria provided, single submitter. Criteria: Invitae Variant Classification Sherloc (09022015). Collection method: clinical testing. Allele origin: germline.
Comment: Algorithms developed to predict the effect of missense changes on protein structure and function are either unavailable or do not agree on the potential impact of this missense change (SIFT: "Tolerated"; PolyPhen-2: "Probably Damaging"; Align-GVGD: "Class C0"). In summary, the available evidence is currently insufficient to determine the role of this variant in disease. Therefore, it has been classified as a Variant of Uncertain Significance. This sequence change replaces valine, which is neutral and non-polar, with methionine, which is neutral and non-polar, at codon 797 of the PLEKHM2 protein (p.Val797Met). ClinVar contains an entry for this variant (Variation ID: 850674). This variant has not been reported in the literature in individuals affected with PLEKHM2-related conditions. The frequency data for this variant in the population databases is considered unreliable, as metrics indicate poor data quality at this position in the gnomAD database.

NM_015164.4(PLEKHM2):c.2389G>A (p.Val797Met)

Gene: PLEKHM2 (pleckstrin homology and RUN domain containing M2; plus strand). Cytogenetic location: 1p36.21.
Variant type: single nucleotide variant.
Coding change: c.2389G>A on transcript NM_015164.4 (MANE Select); coding-DNA position 2389, G replaced by A.
Protein change: p.Val797Met; replaces valine 797 with methionine.
Molecular consequence: missense variant.
Genome position (GRCh38, 1-based): chr1:15,730,712, G>A. VCF-style: chr1-15730712-G-A. GRCh37 (hg19) VCF-style: chr1-16057207-G-A.
Other names: short protein forms V797M.
Identifiers: ClinVar variation 850674 (VCV000850674.9), dbSNP rs1453645890, ClinGen allele CA338572415.